The following is an entry in ClinVar:

ClinVar aggregate classification (germline): Uncertain significance (1 of 4 stars; one submission).

Allele frequency attached by ClinVar (database versions not stated): gnomAD 0.00001; gnomAD exomes 0.00001; TOPMed 0.00002.
gnomAD v4.1: 10 of 1,536,230 alleles (0.00065%); highest among the groups gnomAD compares: African/African-American, 0.0014%; no homozygotes.

Submission:

Labcorp Genetics (formerly Invitae), Labcorp
Classification: Uncertain significance. Last evaluated: 2022-06-08. Review status: criteria provided, single submitter. Criteria: Invitae Variant Classification Sherloc (09022015). Collection method: clinical testing. Allele origin: germline.
Comment: The C2CD3 gene has multiple clinically relevant transcripts. This variant occurs in alternate transcript NM_001286577.1, and corresponds to NM_015531.5:c.*823T>C in the primary transcript. This sequence change replaces phenylalanine, which is neutral and non-polar, with leucine, which is neutral and non-polar, at codon 2129 of the C2CD3 protein (p.Phe2129Leu). In summary, the available evidence is currently insufficient to determine the role of this variant in disease. Therefore, it has been classified as a Variant of Uncertain Significance. Experimental studies and prediction algorithms are not available or were not evaluated, and the functional significance of this variant is currently unknown. This variant has not been reported in the literature in individuals affected with C2CD3-related conditions. This variant is present in population databases (no rsID available, gnomAD 0.002%).

NM_001286577.2(C2CD3):c.6385T>C (p.Phe2129Leu)

Gene: C2CD3 (C2 domain containing 3 centriole elongation regulator; minus strand). Cytogenetic location: 11q13.4.
Variant type: single nucleotide variant.
Coding change: c.6385T>C on transcript NM_001286577.2 (MANE Select); coding-DNA position 6385, T replaced by C.
Protein change: p.Phe2129Leu; replaces phenylalanine 2129 with leucine.
Molecular consequence: missense variant.
Genome position (GRCh38, 1-based): chr11:74,033,775, A>G on the plus strand (T>C on the coding strand, the complement: C2CD3 is on the minus strand). VCF-style: chr11-74033775-A-G. GRCh37 (hg19) VCF-style: chr11-73744820-A-G.
Other names: short protein forms F2129L.
Identifiers: ClinVar variation 1985120 (VCV001985120.2), dbSNP rs1048420989, ClinGen allele CA224505644.